The following is an entry in ClinVar:

NM_004519.4(KCNQ3):c.1994C>T (p.Ser665Leu)

Gene: KCNQ3 (potassium voltage-gated channel subfamily Q member 3; minus strand). Cytogenetic location: 8q24.22.
Variant type: single nucleotide variant.
Coding change: c.1994C>T on transcript NM_004519.4 (MANE Select); coding-DNA position 1994, C replaced by T.
Protein change: p.Ser665Leu; replaces serine 665 with leucine.
Molecular consequence: missense variant.
Genome position (GRCh38, 1-based): chr8:132,129,887, G>A on the plus strand (C>T on the coding strand, the complement: KCNQ3 is on the minus strand). VCF-style: chr8-132129887-G-A. GRCh37 (hg19) VCF-style: chr8-133142134-G-A.
Other names: p.S665L:TCG>TTG; c.1634C>T, p.Ser545Leu (NM_001204824.2); short protein forms S665L, S545L.
Identifiers: ClinVar variation 194513 (VCV000194513.47), dbSNP rs147173555, ClinGen allele CA240523.

ClinVar aggregate classification (germline): Conflicting classifications of pathogenicity. Review status: criteria provided, conflicting classifications (1 of 4 stars). 7 submissions from 7 submitters: Uncertain significance (2); Benign (3); Likely benign (2). Last evaluated 2026-04-01.

Conditions:
Inborn genetic diseases. Identifiers: MedGen C0950123, MeSH D030342.
Benign neonatal seizures. Also called: Benign familial neonatal seizures; Convulsions benign familial neonatal dominant form; Autosomal dominant form of benign neonatal seizures; Benign neonatal familial convulsions; Benign familial neonatal epilepsy. Identifiers: Orphanet 1949, MedGen C0220669, MONDO:0016027.
Seizures, benign familial neonatal, 2. Also called: KCNQ3-Related Benign Familial Neonatal Epilepsy; Benign Neonatal Epilepsy 2; CONVULSIONS, BENIGN FAMILIAL NEONATAL, 2; Seizures, benign neonatal, 2; KCNQ3-Related Self-Limited Familial Neonatal Epilepsy (SLFNE). Identifiers: Orphanet 1949, MedGen C1852581, MONDO:0007366, OMIM 121201.

Allele frequency attached by ClinVar (database versions not stated): gnomAD exomes 0.00015 and 0.00035; 1000 Genomes Project 30x 0.00031; 1000 Genomes Project 0.00040; ExAC 0.00049; gnomAD 0.00149 and 0.00165; TOPMed 0.00156; ESP Exome Variant Server 0.00208.
gnomAD v4.1: 461 of 1,614,088 alleles (0.029%); highest among the groups gnomAD compares: African/African-American, 0.49%; no homozygotes.

Submissions (7):

CeGaT Center for Human Genetics Tuebingen
Classification: Likely benign. Last evaluated: 2026-04-01. Review status: criteria provided, single submitter. Criteria: CeGaT Center For Human Genetics Tuebingen Variant Classification Criteria Version 2. Collection method: clinical testing. Allele origin: germline. Affected: yes. Observed: 2 variant alleles.
Comment: KCNQ3: BS1

Labcorp Genetics (formerly Invitae), Labcorp
Classification: Benign for Benign neonatal seizures. Last evaluated: 2026-01-30. Review status: criteria provided, single submitter. Criteria: Invitae Variant Classification Sherloc (09022015). Collection method: clinical testing. Allele origin: germline.

GeneDx
Classification: Benign. Last evaluated: 2019-03-22. Review status: criteria provided, single submitter. Criteria: GeneDx Variant Classification Process June 2021. Collection method: clinical testing. Allele origin: germline. Affected: yes.

Illumina Laboratory Services, Illumina
Classification: Benign for Seizures, benign familial neonatal, 2. Last evaluated: 2018-01-12. Review status: criteria provided, single submitter. Criteria: ICSL Variant Classification Criteria 13 December 2019. Collection method: clinical testing. Allele origin: germline.
Comment: This variant was observed in the ICSL laboratory as part of a predisposition screen in an ostensibly healthy population. It had not been previously curated by ICSL or reported in the Human Gene Mutation Database (HGMD: prior to June 1st, 2018), and was therefore a candidate for classification through an automated scoring system. Utilizing variant allele frequency, disease prevalence and penetrance estimates, and inheritance mode, an automated score was calculated to assess if this variant is too frequent to cause the disease. Based on the score and internal cut-off values, a variant classified as benign is not then subjected to further curation. The score for this variant resulted in a classification of benign for this disease.

Ambry Genetics
Classification: Likely benign for Inborn genetic diseases. Last evaluated: 2017-12-15. Review status: criteria provided, single submitter. Criteria: Ambry Variant Classification Scheme 2023. Collection method: clinical testing. Allele origin: germline.

Fulgent Genetics
Classification: Uncertain significance for Seizures, benign familial neonatal, 2. Last evaluated: 2017-05-23. Review status: criteria provided, single submitter. Criteria: ACMG Guidelines, 2015. Collection method: clinical testing. Allele origin: unknown.

Eurofins Ntd Llc (ga)
Classification: Uncertain significance. Last evaluated: 2015-06-25. Review status: criteria provided, single submitter. Criteria: EGL Classification Definitions 2015. Collection method: clinical testing. Allele origin: germline. Observed: 5 variant alleles, 5 heterozygotes.